The following is an entry in ClinVar:

NM_006852.6(TLK2):c.1369-2A>G

Gene: TLK2 (tousled like kinase 2; plus strand). Cytogenetic location: 17q23.2.
Variant type: single nucleotide variant.
Coding change: c.1369-2A>G on transcript NM_006852.6 (MANE Select); the canonical splice acceptor site of the intron before coding-DNA position 1369, A replaced by G.
Molecular consequence: splice acceptor variant.
Genome position (GRCh38, 1-based): chr17:62,586,133, A>G. VCF-style: chr17-62586133-A-G. GRCh37 (hg19) VCF-style: chr17-60663494-A-G.
Other names: c.1369-2A>G (NM_001375271.1, NM_001375270.1); c.922-2A>G (NM_001375273.1, NM_001330418.3); c.1273-2A>G (NM_001375272.1, NM_001284363.1); c.1084-2A>G (NM_001411074.1); c.1435-2A>G (NM_001284333.3); c.1411-2A>G (NM_001375269.1).
Identifiers: ClinVar variation 1098335 (VCV001098335.2), dbSNP rs2146901330, ClinGen allele CA400505975.
Genomic context (GRCh38, chr17:62,586,133, plus strand): 5'-CACATCAGTTACCTGTAATTTTTCTTAACATTTACCCAGTATATAATTTATTCTCTTTAT[A>G]GGCATTTGATCTAACAGAGCAAAGATACGTAGCTGTGAAAATTCACCAGTTAAATAAAAA-3'

ClinVar aggregate classification (germline): Pathogenic (1 of 4 stars; one submission).

Submission:

Genetics Laboratory, UDIAT-Centre Diagnòstic, Hospital Universitari Parc Tauli
Classification: Pathogenic. Last evaluated: 2021-04-26. Review status: criteria provided, single submitter. Criteria: Parc Tauli Hospital Assertion Criteria 2021. Collection method: clinical testing. Allele origin: de novo. Inheritance: Autosomal dominant inheritance. Affected: yes. Observed: 1 heterozygote.
Comment: PVS1_very strong;PM2_supporting;PM6_moderate